The following is an entry in ClinVar:

ClinVar aggregate classification (germline): Uncertain significance (1 of 4 stars; one submission).

Conditions:
Fanconi anemia complementation group E (FANCE). Also called: FANCE-Related Fanconi Anemia. Identifiers: Orphanet 84, MedGen C3160739, MONDO:0010953, OMIM 600901.

Allele frequency attached by ClinVar (database versions not stated): gnomAD exomes below 0.00001; TOPMed below 0.00001.

Submission:

Labcorp Genetics (formerly Invitae), Labcorp
Classification: Uncertain significance for Fanconi anemia complementation group E. Last evaluated: 2019-07-24. Review status: criteria provided, single submitter. Criteria: Invitae Variant Classification Sherloc (09022015). Collection method: clinical testing. Allele origin: germline.
Comment: Algorithms developed to predict the effect of missense changes on protein structure and function output the following: SIFT: "Tolerated"; PolyPhen-2: "Possibly Damaging"; Align-GVGD: "Class C0". The glutamic acid amino acid residue is found in multiple mammalian species, suggesting that this missense change does not adversely affect protein function. These predictions have not been confirmed by published functional studies and their clinical significance is uncertain. This variant has not been reported in the literature in individuals with FANCE-related conditions. This variant is not present in population databases (ExAC no frequency). This sequence change replaces glycine with glutamic acid at codon 147 of the FANCE protein (p.Gly147Glu). The glycine residue is moderately conserved and there is a moderate physicochemical difference between glycine and glutamic acid. In summary, the available evidence is currently insufficient to determine the role of this variant in disease. Therefore, it has been classified as a Variant of Uncertain Significance.

NM_021922.3(FANCE):c.440G>A (p.Gly147Glu)

Gene: FANCE (FA complementation group E; plus strand). Cytogenetic location: 6p21.31.
Variant type: single nucleotide variant.
Coding change: c.440G>A on transcript NM_021922.3 (MANE Select); coding-DNA position 440, G replaced by A.
Protein change: p.Gly147Glu; replaces glycine 147 with glutamic acid.
Molecular consequence: missense variant.
Genome position (GRCh38, 1-based): chr6:35,455,938, G>A. VCF-style: chr6-35455938-G-A. GRCh37 (hg19) VCF-style: chr6-35423715-G-A.
Other names: short protein forms G147E.
Identifiers: ClinVar variation 958629 (VCV000958629.9), dbSNP rs1220564322, ClinGen allele CA363772911.